The following is an entry in ClinVar:

ClinVar aggregate classification (germline): Uncertain significance (1 of 4 stars; one submission).

Conditions:
Retinitis pigmentosa 71 (RP71). Identifiers: Orphanet 791, MedGen C4225342, MONDO:0014618, OMIM 616394.
Short-rib thoracic dysplasia 10 with or without polydactyly (SRTD10). Identifiers: Orphanet 474, MedGen C3810175, MONDO:0014284, OMIM 615630.

Submission:

Labcorp Genetics (formerly Invitae), Labcorp
Classification: Uncertain significance for Retinitis pigmentosa 71; Short-rib thoracic dysplasia 10 with or without polydactyly. Last evaluated: 2022-03-11. Review status: criteria provided, single submitter. Criteria: Invitae Variant Classification Sherloc (09022015). Collection method: clinical testing. Allele origin: germline.
Comment: In summary, the available evidence is currently insufficient to determine the role of this variant in disease. Therefore, it has been classified as a Variant of Uncertain Significance. Algorithms developed to predict the effect of missense changes on protein structure and function are either unavailable or do not agree on the potential impact of this missense change (SIFT: "Deleterious"; PolyPhen-2: "Possibly Damaging"; Align-GVGD: "Class C0"). This variant has not been reported in the literature in individuals affected with IFT172-related conditions. This variant is not present in population databases (gnomAD no frequency). This sequence change replaces leucine, which is neutral and non-polar, with methionine, which is neutral and non-polar, at codon 1463 of the IFT172 protein (p.Leu1463Met).

NM_015662.3(IFT172):c.4387T>A (p.Leu1463Met)

Gene: IFT172 (intraflagellar transport 172; minus strand). Cytogenetic location: 2p23.3.
Variant type: single nucleotide variant.
Coding change: c.4387T>A on transcript NM_015662.3 (MANE Select); coding-DNA position 4387, T replaced by A.
Protein change: p.Leu1463Met; replaces leucine 1463 with methionine.
Molecular consequence: missense variant.
Genome position (GRCh38, 1-based): chr2:27,448,956, A>T on the plus strand (T>A on the coding strand, the complement: IFT172 is on the minus strand). VCF-style: chr2-27448956-A-T. GRCh37 (hg19) VCF-style: chr2-27671823-A-T.
Other names: c.4321T>A, p.Leu1441Met (NM_001410739.1); short protein forms L1463M, L1441M.
Identifiers: ClinVar variation 1978529 (VCV001978529.4), dbSNP rs1455837031, ClinGen allele CA346419935.